The following is an entry in ClinVar:

NM_000051.4(ATM):c.6807+1_6807+7del

Genes: ATM (ATM serine/threonine kinase; plus strand), C11orf65 (chromosome 11 open reading frame 65; minus strand). Cytogenetic location: 11q22.3.
Variant type: Deletion.
Coding change: c.6807+1_6807+7del on transcript NM_000051.4 (MANE Select); the canonical splice donor site of the intron after coding-DNA position 6807 through 7 bases into the intron after coding-DNA position 6807, 7 bases deleted (GTAAATA; older notation c.6807+1_6807+7delGTAAATA).
Molecular consequence: splice donor variant. On other transcripts: intron variant (2).
Genome position (GRCh38, 1-based): chr11:108,325,545-108,325,551, GTAAATA deleted. VCF-style (leftmost placement, unchanged base first): chr11-108325544-GGTAAATA-G. GRCh37 (hg19) VCF-style: chr11-108196271-GGTAAATA-G.
Other names: c.6807+1_6807+7del (NM_001351834.2); c.641-16480_641-16474del (NM_001330368.2); c.*38+9669_*38+9675del (NM_001351110.2).
Identifiers: ClinVar variation 1755545 (VCV001755545.8), dbSNP rs2547207638, ClinGen allele CA2580083086.
Genomic context (GRCh38, chr11:108,325,544, plus strand): 5'-CATTCTCACCAAACACCTTGTAGAACTCTCTATACTGGCCAGAACTTTCAAGAACACTCA[GGTAAATA>G]CAATTTAAAACTATGTCATCTTACCTCTTGACTTTCCTTTTATTATTTAAAAAACAGAAA-3'

ClinVar aggregate classification (germline): Likely pathogenic. Review status: criteria provided, multiple submitters, no conflicts (2 of 4 stars). 2 submissions from 2 submitters: Likely pathogenic (2). Last evaluated 2025-11-05.

Conditions:
Hereditary cancer-predisposing syndrome. Also called: Hereditary neoplastic syndrome; Neoplastic Syndromes, Hereditary; Tumor predisposition; Hereditary Cancer Syndrome. Identifiers: Orphanet 140162, MedGen C0027672, MeSH D009386, MONDO:0015356.
Ataxia-telangiectasia syndrome (AT). Also called: Ataxia telangiectasia (A-T); LOUIS-BAR SYNDROME; Cerebello-oculocutaneous telangiectasia; Immunodeficiency with ataxia telangiectasia; Ataxia-telangiectasia, complementation group D; AT, COMPLEMENTATION GROUP C. Identifiers: Orphanet 100, MedGen C0004135, MONDO:0008840, OMIM 208900.

Submissions (2):

Labcorp Genetics (formerly Invitae), Labcorp
Classification: Likely pathogenic for Ataxia-telangiectasia syndrome. Last evaluated: 2025-11-05. Review status: criteria provided, single submitter. Criteria: Invitae Variant Classification Sherloc (09022015). Collection method: clinical testing. Allele origin: germline.
Comment: This sequence change affects a splice site in intron 46 of the ATM gene. It is expected to disrupt RNA splicing. Variants that disrupt the donor or acceptor splice site typically lead to a loss of protein function (PMID: 16199547), and loss-of-function variants in ATM are known to be pathogenic (PMID: 23807571, 25614872). This variant is not present in population databases (gnomAD no frequency). This variant has not been reported in the literature in individuals affected with ATM-related conditions. ClinVar contains an entry for this variant (Variation ID: 1755545). Algorithms developed to predict the effect of sequence changes on RNA splicing suggest that this variant may disrupt the consensus splice site. In summary, the currently available evidence indicates that the variant is pathogenic, but additional data are needed to prove that conclusively. Therefore, this variant has been classified as Likely Pathogenic.

Ambry Genetics
Classification: Likely pathogenic for Hereditary cancer-predisposing syndrome. Last evaluated: 2025-07-02. Review status: criteria provided, single submitter. Criteria: Ambry Variant Classification Scheme 2023. Collection method: clinical testing. Allele origin: germline.
Comment: The c.6807+1_6807+7delGTAAATA intronic variant results from a deletion of 7 nucleotides between positions +1 and +7 and involves the canonical splice donor site after coding exon 45 of the ATM gene. In silico splice site analysis predicts that this alteration will weaken the native splice donor site. RNA studies have demonstrated that this alteration results in abnormal splicing in the set of samples tested (Ambry internal data). The canonical splice donor site is highly conserved through marmoset. This variant is considered to be rare based on population cohorts in the Genome Aggregation Database (gnomAD). Alterations that disrupt the canonical splice site are expected to cause aberrant splicing, resulting in an abnormal protein or a transcript that is subject to nonsense-mediated mRNA decay. As such, this alteration is classified as likely pathogenic.

Literature cited by the submitters: PubMed 16199547 (cited by Labcorp Genetics (formerly Invitae), Labcorp); PubMed 23807571 (cited by Labcorp Genetics (formerly Invitae), Labcorp); PubMed 25614872 (cited by Labcorp Genetics (formerly Invitae), Labcorp).